The following is an entry in ClinVar:

ClinVar aggregate classification (germline): Uncertain significance (1 of 4 stars; one submission).

Conditions:
Early Myoclonic Encephalopathy. Identifiers: MedGen C0270855.

Allele frequency attached by ClinVar (database versions not stated): gnomAD 0.00001; ExAC 0.00001; gnomAD exomes 0.00001 and 0.00002; TOPMed 0.00001.
gnomAD v4.1: 28 of 1,579,492 alleles (0.0018%); highest among the groups gnomAD compares: Non-Finnish European, 0.0023%; no homozygotes.

Submission:

Labcorp Genetics (formerly Invitae), Labcorp
Classification: Uncertain significance for Early Myoclonic Encephalopathy. Last evaluated: 2026-02-03. Review status: criteria provided, single submitter. Criteria: Invitae Variant Classification Sherloc (09022015). Collection method: clinical testing. Allele origin: germline.
Comment: This sequence change replaces proline, which is neutral and non-polar, with leucine, which is neutral and non-polar, at codon 355 of the JMJD1C protein (p.Pro355Leu). This variant is present in population databases (rs772613741, gnomAD 0.004%). This variant has not been reported in the literature in individuals affected with JMJD1C-related conditions. ClinVar contains an entry for this variant (Variation ID: 659017). Invitae Evidence Modeling of protein sequence and biophysical properties (such as structural, functional, and spatial information, amino acid conservation, physicochemical variation, residue mobility, and thermodynamic stability) has been performed for this missense variant. However, the output from this modeling did not meet the statistical confidence thresholds required to predict the impact of this variant on JMJD1C protein function. In summary, the available evidence is currently insufficient to determine the role of this variant in disease. Therefore, it has been classified as a Variant of Uncertain Significance.

NM_032776.3(JMJD1C):c.1064C>T (p.Pro355Leu)

Gene: JMJD1C (jumonji domain containing 1C; minus strand). Cytogenetic location: 10q21.3.
Variant type: single nucleotide variant.
Coding change: c.1064C>T on transcript NM_032776.3 (MANE Select); coding-DNA position 1064, C replaced by T.
Protein change: p.Pro355Leu; replaces proline 355 with leucine.
Molecular consequence: missense variant. On other transcripts: non-coding transcript variant (1).
Genome position (GRCh38, 1-based): chr10:63,215,103, G>A on the plus strand (C>T on the coding strand, the complement: JMJD1C is on the minus strand). VCF-style: chr10-63215103-G-A. GRCh37 (hg19) VCF-style: chr10-64974863-G-A.
Other names: c.518C>T, p.Pro173Leu (NM_001282948.2, NM_001318154.2); c.200C>T, p.Pro67Leu (NM_001318153.2); c.950C>T, p.Pro317Leu (NM_001322252.2); c.407C>T, p.Pro136Leu (NM_001322254.2, NM_001322258.2); short protein forms P317L, P355L, P67L, P136L, P173L.
Identifiers: ClinVar variation 659017 (VCV000659017.6), dbSNP rs772613741, ClinGen allele CA5518866.